The following is an entry in ClinVar:

ClinVar aggregate classification (germline): Likely benign. Review status: criteria provided, multiple submitters, no conflicts (2 of 4 stars). 2 submissions from 2 submitters: Likely benign (2). Last evaluated 2024-04-11.

Conditions:
GRN-related frontotemporal lobar degeneration with Tdp43 inclusions (FTD2). Also called: GRN Frontotemporal Dementia; DEMENTIA, HEREDITARY DYSPHASIC DISINHIBITION; FRONTOTEMPORAL LOBAR DEGENERATION WITH UBIQUITIN-POSITIVE INCLUSIONS; FTLD-TDP, GRN-RELATED; FRONTOTEMPORAL DEMENTIA WITH TDP43 INCLUSIONS, GRN-RELATED. Identifiers: Orphanet 100070, Orphanet 282, MedGen C1843792, MONDO:0011842, OMIM 607485. Disease mechanism: loss of function.
Neuronal ceroid lipofuscinosis 11. Also called: GRN-Related Neuronal Ceroid-Lipofuscinosis. Identifiers: Orphanet 314629, Orphanet 79262, MedGen C3539123, MONDO:0013866, OMIM 614706.

Allele frequency attached by ClinVar (database versions not stated): gnomAD exomes 0.00001; TOPMed 0.00001; ExAC 0.00004; ESP Exome Variant Server 0.00008.
gnomAD v4.1: 9 of 1,612,578 alleles (0.00056%); highest among the groups gnomAD compares: East Asian, 0.0045%; no homozygotes.

Submissions (2):

Labcorp Genetics (formerly Invitae), Labcorp
Classification: Likely benign for Neuronal ceroid lipofuscinosis 11; GRN-related frontotemporal lobar degeneration with Tdp43 inclusions. Last evaluated: 2024-04-11. Review status: criteria provided, single submitter. Criteria: Invitae Variant Classification Sherloc (09022015). Collection method: clinical testing. Allele origin: germline.

CeGaT Center for Human Genetics Tuebingen
Classification: Likely benign. Last evaluated: 2022-09-01. Review status: criteria provided, single submitter. Criteria: CeGaT Center For Human Genetics Tuebingen Variant Classification Criteria Version 2. Collection method: clinical testing. Allele origin: germline. Affected: yes. Observed: 1 variant allele.
Comment: GRN: BP4, BP7

NM_002087.4(GRN):c.285C>T (p.Gly95=)

Gene: GRN (granulin precursor; plus strand). Cytogenetic location: 17q21.31.
Variant type: single nucleotide variant.
Coding change: c.285C>T on transcript NM_002087.4 (MANE Select); coding-DNA position 285, C replaced by T.
Protein change: p.Gly95=; no amino-acid change (glycine 95 retained).
Molecular consequence: synonymous variant.
Genome position (GRCh38, 1-based): chr17:44,349,687, C>T. VCF-style: chr17-44349687-C-T. GRCh37 (hg19) VCF-style: chr17-42427055-C-T.
Identifiers: ClinVar variation 1987575 (VCV001987575.28), dbSNP rs370619392, ClinGen allele CA8601826.